The following is an entry in ClinVar:

ClinVar aggregate classification (germline): Uncertain significance. Review status: criteria provided, multiple submitters, no conflicts (2 of 4 stars). 6 submissions from 6 submitters: Uncertain significance (6). Last evaluated 2025-12-09.

Conditions:
RYR1-related disorder. Also called: RYR1-related condition; RYR1-related disorders. Identifiers: MedGen CN239331.
Malignant hyperthermia, susceptibility to, 1 (MHS1). Also called: Anesthesia related hyperthermia; Malignant hyperpyrexia; Fulminating hyperpyrexia; Pharmacogenic myopathy; Malignant hyperthermia suceptibility 1; RYR1-Related Malignant Hyperthermia Susceptibility. Identifiers: Orphanet 423, MedGen C2930980, MONDO:0007783, OMIM 145600.
Congenital multicore myopathy with external ophthalmoplegia (CMYO1B). Also called: Congenital myopathy 1B, autosomal recessive; Minicore myopathy; Minicore myopathy with external ophthalmoplegia; MULTICORE MYOPATHY; MULTIMINICORE DISEASE WITH EXTERNAL OPHTHALMOPLEGIA. Identifiers: Orphanet 598, Orphanet 98905, MedGen C1850674, MONDO:0009712, OMIM 255320, HP:0003789.
King Denborough syndrome (KDS). Identifiers: MedGen C1840365, MONDO:0020485, OMIM 619542.
Congenital myopathy with fiber type disproportion. Also called: Congenital fiber-type disproportion myopathy; Congenital fiber-type disproportion. Identifiers: Orphanet 2020, MedGen C0546264, MONDO:0009711. Inheritance: all.
Central core myopathy (CMYO1A). Also called: CONGENITAL MYOPATHY 1A, AUTOSOMAL DOMINANT, WITH SUSCEPTIBILITY TO MALIGNANT HYPERTHERMIA; Central core disease; Myopathy, central fibrillar. Identifiers: Orphanet 597, MedGen C5830701, MONDO:0007294, OMIM 117000.
Inborn genetic diseases. Identifiers: MedGen C0950123, MeSH D030342.

Allele frequency attached by ClinVar (database versions not stated): gnomAD exomes 0.00002 and 0.00003; ExAC 0.00006; TOPMed 0.00012.
gnomAD v4.1: 31 of 1,549,932 alleles (0.002%); highest among the groups gnomAD compares: African/African-American, 0.02%; no homozygotes.

Submissions (6):

Labcorp Genetics (formerly Invitae), Labcorp
Classification: Uncertain significance for RYR1-related disorder. Last evaluated: 2025-12-09. Review status: criteria provided, single submitter. Criteria: Invitae Variant Classification Sherloc (09022015). Collection method: clinical testing. Allele origin: germline.
Comment: This sequence change replaces arginine, which is basic and polar, with cysteine, which is neutral and slightly polar, at codon 3196 of the RYR1 protein (p.Arg3196Cys). This variant is present in population databases (rs766362010, gnomAD 0.03%). This variant has not been reported in the literature in individuals affected with RYR1-related conditions. ClinVar contains an entry for this variant (Variation ID: 955494). Invitae Evidence Modeling of protein sequence and biophysical properties (such as structural, functional, and spatial information, amino acid conservation, physicochemical variation, residue mobility, and thermodynamic stability) indicates that this missense variant is not expected to disrupt RYR1 protein function with a negative predictive value of 80%. In summary, the available evidence is currently insufficient to determine the role of this variant in disease. Therefore, it has been classified as a Variant of Uncertain Significance.

GeneDx
Classification: Uncertain significance. Last evaluated: 2025-08-07. Review status: criteria provided, single submitter. Criteria: GeneDx Variant Classification Process June 2021. Collection method: clinical testing. Allele origin: germline. Affected: yes.
Comment: In silico analysis indicates that this missense variant does not alter protein structure/function; Has not been previously published as pathogenic or benign to our knowledge; This variant is associated with the following publications: (PMID: 12668474)

Ambry Genetics
Classification: Uncertain significance for Inborn genetic diseases. Last evaluated: 2024-06-07. Review status: criteria provided, single submitter. Criteria: Ambry Variant Classification Scheme 2023. Collection method: clinical testing. Allele origin: germline.

Color Diagnostics, LLC DBA Color Health
Classification: Uncertain significance for Malignant hyperthermia, susceptibility to, 1. Last evaluated: 2023-11-29. Review status: criteria provided, single submitter. Criteria: ACMG Guidelines, 2015. Collection method: clinical testing. Allele origin: germline.
Comment: This missense variant replaces arginine with cysteine at codon 3196 of the RYR1 protein. Computational prediction suggests that this variant may not impact protein structure and function. To our knowledge, functional studies have not been reported for this variant. This variant has not been reported in individuals affected with RYR1-related disorders in the literature. This variant has been identified in 6/185306 chromosomes in the general population by the Genome Aggregation Database (gnomAD). The available evidence is insufficient to determine the role of this variant in disease conclusively. Therefore, this variant is classified as a Variant of Uncertain Significance.

Blueprint Genetics
Classification: Uncertain significance. Last evaluated: 2022-05-24. Review status: criteria provided, single submitter. Criteria: ACMG Guidelines, 2015. Collection method: clinical testing. Allele origin: germline.

Fulgent Genetics
Classification: Uncertain significance for Central core myopathy; Malignant hyperthermia, susceptibility to, 1; Congenital myopathy 4A, autosomal dominant; Congenital multicore myopathy with external ophthalmoplegia; King Denborough syndrome. Last evaluated: 2021-08-24. Review status: criteria provided, single submitter. Criteria: ACMG Guidelines, 2015. Collection method: clinical testing. Allele origin: unknown.

NM_000540.3(RYR1):c.9586C>T (p.Arg3196Cys)

Gene: RYR1 (ryanodine receptor 1; plus strand). Cytogenetic location: 19q13.2.
Variant type: single nucleotide variant.
Coding change: c.9586C>T on transcript NM_000540.3 (MANE Select); coding-DNA position 9586, C replaced by T.
Protein change: p.Arg3196Cys; replaces arginine 3196 with cysteine.
Molecular consequence: missense variant.
Genome position (GRCh38, 1-based): chr19:38,516,118, C>T. VCF-style: chr19-38516118-C-T. GRCh37 (hg19) VCF-style: chr19-39006758-C-T.
Other names: c.9586C>T, p.Arg3196Cys (NM_001042723.2); short protein forms R3196C.
Identifiers: ClinVar variation 955494 (VCV000955494.14), dbSNP rs766362010, ClinGen allele CA073875.
Genomic context (GRCh38, chr19:38,516,118, plus strand): 5'-TGGCAGCTAAACACAGCCCCGTCTTCCAGGCTTCGGCCAGCCCTCGGGGAGTGCCTGGCC[C>T]GTCTGGCAGCAGCCATGCCGGTGGCGTTCCTGGAGCCGCAGCTGAACGAGTACAACGCCT-3'
Protein context (NP_000531.2, residues 3186-3206): LRPALGECLA[Arg3196Cys]LAAAMPVAFL